The following is an entry in ClinVar:

NM_031935.3(HMCN1):c.7255A>T (p.Thr2419Ser)

Gene: HMCN1 (hemicentin 1; plus strand). Cytogenetic location: 1q31.1.
Variant type: single nucleotide variant.
Coding change: c.7255A>T on transcript NM_031935.3 (MANE Select); coding-DNA position 7255, A replaced by T.
Protein change: p.Thr2419Ser; replaces threonine 2419 with serine.
Molecular consequence: missense variant.
Genome position (GRCh38, 1-based): chr1:186,057,344, A>T. VCF-style: chr1-186057344-A-T. GRCh37 (hg19) VCF-style: chr1-186026476-A-T.
Other names: short protein forms T2419S.
Identifiers: ClinVar variation 2743372 (VCV002743372.3), dbSNP rs776278874, ClinGen allele CA343903635.
Genomic context (GRCh38, chr1:186,057,344, plus strand): 5'-GTAGAAAAGAACTCAGTATCTTTGACTTGTGAAGCTTCTGGAATTCCCCTGCCTTCCATA[A>T]CCTGGTTCAAAGATGGGTGGCCTGTCAGCCTTAGCAATTCTGTGAGGATTCTTTCAGGTA-3'
Protein context (NP_114141.2, residues 2409-2429): EASGIPLPSI[Thr2419Ser]WFKDGWPVSL

ClinVar aggregate classification (germline): Uncertain significance (1 of 4 stars; one submission).

Submission:

Labcorp Genetics (formerly Invitae), Labcorp
Classification: Uncertain significance. Last evaluated: 2023-08-29. Review status: criteria provided, single submitter. Criteria: Invitae Variant Classification Sherloc (09022015). Collection method: clinical testing. Allele origin: germline.
Comment: In summary, the available evidence is currently insufficient to determine the role of this variant in disease. Therefore, it has been classified as a Variant of Uncertain Significance. An algorithm developed to predict the effect of missense changes on protein structure and function (PolyPhen-2) suggests that this variant is likely to be tolerated. This variant has not been reported in the literature in individuals affected with HMCN1-related conditions. This variant is not present in population databases (gnomAD no frequency). This sequence change replaces threonine, which is neutral and polar, with serine, which is neutral and polar, at codon 2419 of the HMCN1 protein (p.Thr2419Ser).